The following is an entry in ClinVar:

NM_000532.5(PCCB):c.1352C>T (p.Thr451Ile)

Gene: PCCB (propionyl-CoA carboxylase subunit beta; plus strand). Cytogenetic location: 3q22.3.
Variant type: single nucleotide variant.
Coding change: c.1352C>T on transcript NM_000532.5 (MANE Select); coding-DNA position 1352, C replaced by T.
Protein change: p.Thr451Ile; replaces threonine 451 with isoleucine.
Molecular consequence: missense variant.
Genome position (GRCh38, 1-based): chr3:136,327,686, C>T. VCF-style: chr3-136327686-C-T. GRCh37 (hg19) VCF-style: chr3-136046528-C-T.
Other names: c.1412C>T, p.Thr471Ile (NM_001178014.2); short protein forms T451I, T471I.
Identifiers: ClinVar variation 790938 (VCV000790938.22), dbSNP rs145135400, ClinGen allele CA2632153.
Genomic context (GRCh38, chr3:136,327,686, plus strand): 5'-TGTTTTAGGCCTATGGAGGTGCCTATGATGTCATGAGCTCTAAGCACCTTTGTGGTGATA[C>T]CAACTATGCCTGGCCCACCGCAGAGATTGCAGTCATGGGAGCAAAGGTGAGGGCCTCTTG-3'
Protein context (NP_000523.2, residues 441-461): VMSSKHLCGD[Thr451Ile]NYAWPTAEIA

ClinVar aggregate classification (germline): Conflicting classifications of pathogenicity. Review status: criteria provided, conflicting classifications (1 of 4 stars). 5 submissions from 5 submitters: Uncertain significance (3); Likely benign (2). Last evaluated 2026-09-21.

Conditions:
Propionic acidemia (PROP). Also called: GLYCINEMIA, KETOTIC; HYPERGLYCINEMIA WITH KETOACIDOSIS AND LEUKOPENIA; KETOTIC HYPERGLYCINEMIA. Identifiers: Orphanet 35, MedGen C0268579, MONDO:0011628, OMIM 606054, HP:0003571.
Hypertrophic cardiomyopathy. Also called: HYPERTROPHIC MYOCARDIOPATHY. Identifiers: Orphanet 217569, MedGen C0007194, MeSH D002312, MONDO:0005045, HP:0001639.

Allele frequency attached by ClinVar (database versions not stated): gnomAD 0.00005 and 0.00021; TOPMed 0.00008; ESP Exome Variant Server 0.00015; gnomAD exomes 0.00043; ExAC 0.00051; 1000 Genomes Project 30x 0.00172; 1000 Genomes Project 0.00180.
gnomAD v4.1: 429 of 1,613,926 alleles (0.027%); highest among the groups gnomAD compares: South Asian, 0.34%; 1 homozygote.

Submissions (5):

GeneDx
Classification: Uncertain significance. Last evaluated: 2026-09-21. Review status: criteria provided, single submitter. Criteria: GeneDx Variant Classification Process June 2021. Collection method: clinical testing. Allele origin: germline.
Comment: Expression in E. coli found that this variant is associated with approximately 13% residual enzyme activity (PMID: 22033733); In silico analysis suggests that this missense variant does not alter protein structure/function; This variant is associated with the following publications: (PMID: 22033733, 34426522, 25865301)

Labcorp Genetics (formerly Invitae), Labcorp
Classification: Likely benign for Propionic acidemia. Last evaluated: 2026-01-27. Review status: criteria provided, single submitter. Criteria: Invitae Variant Classification Sherloc (09022015). Collection method: clinical testing. Allele origin: germline.

Blueprint Genetics
Classification: Likely benign. Last evaluated: 2024-11-13. Review status: criteria provided, single submitter. Criteria: ACMG Guidelines, 2015. Collection method: clinical testing. Allele origin: germline.

Cambridge Genomics Laboratory, East Genomic Laboratory Hub, NHS Genomic Medicine Service
Classification: Uncertain significance for Hypertrophic cardiomyopathy. Last evaluated: 2020-04-03. Review status: criteria provided, single submitter. Criteria: ACGS Best Practice Guidelines for Variant Classification in Rare Disease 2020. Collection method: clinical testing. Allele origin: germline. Affected: yes. Observed: 1 variant allele.

Illumina Laboratory Services, Illumina
Classification: Uncertain significance for Propionic acidemia. Last evaluated: 2017-09-01. Review status: criteria provided, single submitter. Criteria: ICSL Variant Classification Criteria 13 December 2019. Collection method: clinical testing. Allele origin: germline.
Comment: This variant was observed as part of a predisposition screen in an ostensibly healthy population. A literature search was performed for the gene, cDNA change, and amino acid change (where applicable). Publications were found based on this search. However, the evidence from the literature, in combination with allele frequency data from public databases where available, was not sufficient to rule this variant in or out of causing disease. Therefore, this variant is classified as a variant of unknown significance.

Literature cited by the submitters: PubMed 25865301 (cited by Illumina Laboratory Services, Illumina); PubMed 22033733 (cited by Illumina Laboratory Services, Illumina).